The following is an entry in ClinVar:

NM_000051.4(ATM):c.2125-1G>A

Gene: ATM (ATM serine/threonine kinase; plus strand). Cytogenetic location: 11q22.3.
Variant type: single nucleotide variant.
Coding change: c.2125-1G>A on transcript NM_000051.4 (MANE Select); the canonical splice acceptor site of the intron before coding-DNA position 2125, G replaced by A.
Molecular consequence: splice acceptor variant.
Genome position (GRCh38, 1-based): chr11:108,256,214, G>A. VCF-style: chr11-108256214-G-A. GRCh37 (hg19) VCF-style: chr11-108126941-G-A.
Other names: c.2125-1G>A (NM_001351834.2).
Identifiers: ClinVar variation 551858 (VCV000551858.9), dbSNP rs1402299151, ClinGen allele CA382538632.

ClinVar aggregate classification (germline): Likely pathogenic. Review status: criteria provided, single submitter (1 of 4 stars). 2 submissions from 2 submitters: Likely pathogenic (1). 1 of the submissions does not count toward it. Last evaluated 2025-07-01.

Conditions:
Ataxia-telangiectasia syndrome (AT). Also called: Ataxia-telangiectasia, complementation group D; AT, COMPLEMENTATION GROUP C; Ataxia-telangiectasia, complementation group E; LOUIS-BAR SYNDROME; Cerebello-oculocutaneous telangiectasia; Immunodeficiency with ataxia telangiectasia. Identifiers: Orphanet 100, MedGen C0004135, MONDO:0008840, OMIM 208900.

Allele frequency attached by ClinVar (database versions not stated): gnomAD exomes below 0.00001.
gnomAD v4.1: 1 of 1,602,174 alleles (0.000062%); highest among the groups gnomAD compares: South Asian, 0.0011%; no homozygotes.

Submissions (2):

Labcorp Genetics (formerly Invitae), Labcorp
Classification: Likely pathogenic for Ataxia-telangiectasia syndrome. Last evaluated: 2025-07-01. Review status: criteria provided, single submitter. Criteria: Invitae Variant Classification Sherloc (09022015). Collection method: clinical testing. Allele origin: germline.
Comment: This sequence change affects an acceptor splice site in intron 13 of the ATM gene. It is expected to disrupt RNA splicing. Variants that disrupt the donor or acceptor splice site typically lead to a loss of protein function (PMID: 16199547), and loss-of-function variants in ATM are known to be pathogenic (PMID: 23807571, 25614872). This variant is present in population databases (no rsID available, gnomAD 0.003%). Disruption of this splice site has been observed in individual(s) with pancreatic cancer (PMID: 35734982, 36139606). ClinVar contains an entry for this variant (Variation ID: 551858). Algorithms developed to predict the effect of sequence changes on RNA splicing suggest that this variant may disrupt the consensus splice site. In summary, the currently available evidence indicates that the variant is pathogenic, but additional data are needed to prove that conclusively. Therefore, this variant has been classified as Likely Pathogenic.

Counsyl
Classification: Likely pathogenic for Ataxia-telangiectasia syndrome. Last evaluated: 2017-05-10. Review status: no assertion criteria provided. Collection method: clinical testing. Allele origin: unknown. Not counted in ClinVar's aggregate classification.

Literature cited by the submitters: PubMed 16199547 (cited by Labcorp Genetics (formerly Invitae), Labcorp); PubMed 23807571 (cited by Labcorp Genetics (formerly Invitae), Labcorp); PubMed 25614872 (cited by Labcorp Genetics (formerly Invitae), Labcorp); PubMed 35734982 (cited by Labcorp Genetics (formerly Invitae), Labcorp); PubMed 36139606 (cited by Labcorp Genetics (formerly Invitae), Labcorp).